The following is an entry in ClinVar:

ClinVar aggregate classification (germline): Uncertain significance (1 of 4 stars; one submission).

Conditions:
Charcot-Marie-Tooth disease axonal type 2O. Also called: CHARCOT-MARIE-TOOTH NEUROPATHY, AXONAL, TYPE 2O; CHARCOT-MARIE-TOOTH DISEASE, AXONAL, AUTOSOMAL DOMINANT, TYPE 2O; Charcot-Marie-Tooth Neuropathy Type 2O; Charcot-Marie-Tooth disease, axonal, type 20. Identifiers: Orphanet 284232, MedGen C3280220, MONDO:0013644, OMIM 614228.

Submission:

Labcorp Genetics (formerly Invitae), Labcorp
Classification: Uncertain significance for Charcot-Marie-Tooth disease axonal type 2O. Last evaluated: 2025-02-26. Review status: criteria provided, single submitter. Criteria: Invitae Variant Classification Sherloc (09022015). Collection method: clinical testing. Allele origin: germline.
Comment: This sequence change replaces histidine, which is basic and polar, with arginine, which is basic and polar, at codon 311 of the DYNC1H1 protein (p.His311Arg). This variant is not present in population databases (gnomAD no frequency). This variant has not been reported in the literature in individuals affected with DYNC1H1-related conditions. Invitae Evidence Modeling of protein sequence and biophysical properties (such as structural, functional, and spatial information, amino acid conservation, physicochemical variation, residue mobility, and thermodynamic stability) indicates that this missense variant is expected to disrupt DYNC1H1 protein function with a positive predictive value of 95%. In summary, the available evidence is currently insufficient to determine the role of this variant in disease. Therefore, it has been classified as a Variant of Uncertain Significance.

NM_001376.5(DYNC1H1):c.932A>G (p.His311Arg)

Gene: DYNC1H1 (dynein cytoplasmic 1 heavy chain 1; plus strand). Cytogenetic location: 14q32.31.
Variant type: single nucleotide variant.
Coding change: c.932A>G on transcript NM_001376.5 (MANE Select); coding-DNA position 932, A replaced by G.
Protein change: p.His311Arg; replaces histidine 311 with arginine.
Molecular consequence: missense variant.
Genome position (GRCh38, 1-based): chr14:101,980,521, A>G. VCF-style: chr14-101980521-A-G. GRCh37 (hg19) VCF-style: chr14-102446858-A-G.
Other names: short protein forms H311R.
Identifiers: ClinVar variation 4802028 (VCV004802028.1).